The following is an entry in ClinVar:

ClinVar aggregate classification (germline): Likely benign (0 of 4 stars; one submission).

Conditions:
MXI1-related disorder. Also called: MXI1-related condition.

Allele frequency attached by ClinVar (database versions not stated): gnomAD 0.00003; gnomAD exomes 0.00005; TOPMed 0.00008; ExAC 0.00016.
gnomAD v4.1: 70 of 1,613,898 alleles (0.0043%); highest among the groups gnomAD compares: Admixed American, 0.11%; no homozygotes.

Submission:

PreventionGenetics, part of Exact Sciences
Classification: Likely benign for MXI1-related condition. Last evaluated: 2019-11-12. Review status: no assertion criteria provided. Collection method: clinical testing. Allele origin: germline.
Comment: This variant is classified as likely benign based on ACMG/AMP sequence variant interpretation guidelines (Richards et al. 2015 PMID: 25741868, with internal and published modifications).

NM_130439.3(MXI1):c.291C>T (p.Tyr97=)

Gene: MXI1 (MAX interactor 1, dimerization protein; plus strand). Cytogenetic location: 10q25.2.
Variant type: single nucleotide variant.
Coding change: c.291C>T on transcript NM_130439.3 (MANE Select); coding-DNA position 291, C replaced by T.
Protein change: p.Tyr97=; no amino-acid change (tyrosine 97 retained).
Molecular consequence: synonymous variant. On other transcripts: 5 prime UTR variant (1).
Genome position (GRCh38, 1-based): chr10:110,228,205, C>T. VCF-style: chr10-110228205-C-T. GRCh37 (hg19) VCF-style: chr10-111987963-C-T.
Other names: c.-19C>T (NM_001008541.1); c.90C>T, p.Tyr30= (NM_005962.5).
Identifiers: ClinVar variation 3045030 (VCV003045030.2), dbSNP rs758885112, ClinGen allele CA5686908.
Genomic context (GRCh38, chr10:110,228,205, plus strand): 5'-TACTATATTCTTCTTACCGTATCTTTTTTTCTTGCTTTCTTCAGAGTGTGAACATGGCTA[C>T]GCCTCTTCATTCCCGTCCATGCCGAGCCCCCGACTGCAGCATTCAAAGCCCCCACGGAGG-3'
Protein context (NP_569157.2, residues 87-107): EKENKKCEHG[Tyr97=]ASSFPSMPSP